The following is an entry in ClinVar:

NM_000169.3(GLA):c.947dup (p.Ile317fs)

Genes: GLA (galactosidase alpha; minus strand), RPL36A-HNRNPH2 (RPL36A-HNRNPH2 readthrough; plus strand). Cytogenetic location: Xq22.1.
Variant type: Duplication.
Coding change: c.947dup on transcript NM_000169.3 (MANE Select); coding-DNA position 947, one base duplicated (T; older notation c.947dupT).
Protein change: p.Ile317fs; shifts the reading frame from isoleucine 317.
Molecular consequence: frameshift variant. On other transcripts: non-coding transcript variant (3), intron variant (2).
Genome position (GRCh38, 1-based): chrX:101,398,422, A duplicated on the plus strand (T on the coding strand, the reverse complement: GLA is on the minus strand). VCF-style (leftmost placement, unchanged base first): chrX-101398421-T-TA. GRCh37 (hg19) VCF-style: chrX-100653409-T-TA.
Other names: c.1070dup, p.Ile358fs (NM_001406747.1); c.947dup, p.Ile317fs (NM_001406748.1); c.300+2965dup (NM_001199973.2); c.177+6600dup (NM_001199974.2); short protein forms I317fs, I358fs.
Identifiers: ClinVar variation 2737311 (VCV002737311.5), dbSNP rs869312452, ClinGen allele CA352528.

ClinVar aggregate classification (germline): Pathogenic. Review status: criteria provided, multiple submitters, no conflicts (2 of 4 stars). 2 submissions from 2 submitters: Pathogenic (2). Last evaluated 2026-09-08.

Conditions:
Fabry disease. Also called: Angiokeratoma corporis diffusum; Fabry's disease; ALPHA-GALACTOSIDASE A DEFICIENCY; ANDERSON-FABRY DISEASE; CERAMIDE TRIHEXOSIDASE DEFICIENCY; Ceramide trihexosidosis. Identifiers: Orphanet 324, MedGen C0002986, MONDO:0010526, OMIM 301500, HP:0001071. Disease mechanism: Fabry disease is due to inactivating mutations in the X-linked GLA gene resulting in deficiency of the enzyme Alpha Galactosidase-A., loss of function.

Submissions (2):

Genomenon, Inc
Classification: Pathogenic for Fabry disease. Last evaluated: 2026-09-08. Review status: criteria provided, single submitter. Criteria: Genomenon Sequence Variant Interpretation Standards - Updated. Collection method: curation. Allele origin: germline. Affected: yes.
Comment: GLA p.Ile317AsnfsTer16 (c.947dup) is a frameshift variant that is predicted to introduce a premature termination codon and result in a truncated or absent protein product. This variant has been observed in at least one proband with clinical features consistent with Fabry disease (PMID:37779915). A de novo occurrence of this variant has been observed in at least one affected individual (PMID:37779915). At least one functional study has demonstrated a substantial alteration in protein function relative to the wild-type (PMID:23935525). It is absent or not present at a significant frequency in gnomAD. In conclusion, we classify GLA p.Ile317AsnfsTer16 (c.947dup) as a pathogenic variant.

Labcorp Genetics (formerly Invitae), Labcorp
Classification: Pathogenic for Fabry disease. Last evaluated: 2023-05-22. Review status: criteria provided, single submitter. Criteria: Invitae Variant Classification Sherloc (09022015). Collection method: clinical testing. Allele origin: germline.
Comment: This sequence change creates a premature translational stop signal (p.Ile317Asnfs*16) in the GLA gene. While this is not anticipated to result in nonsense mediated decay, it is expected to disrupt the last 113 amino acid(s) of the GLA protein. This variant is not present in population databases (gnomAD no frequency). For these reasons, this variant has been classified as Pathogenic. This variant disrupts a region of the GLA protein in which other variant(s) (p.Ile317Thr) have been determined to be pathogenic (PMID: 11914245, 12175777, 17040996, 18023222, 23305247). This suggests that this is a clinically significant region of the protein, and that variants that disrupt it are likely to be disease-causing. Experimental studies have shown that this premature translational stop signal affects GLA function (PMID: 23935525). Algorithms developed to predict the effect of variants on protein structure and function are not available or were not evaluated for this variant. This variant is also known as c948InsT. This premature translational stop signal has been observed in individual(s) with Fabry disease (PMID: 23935525).

Literature cited by the submitters: PubMed 37779915 (cited by Genomenon, Inc); PubMed 23935525 (cited by Genomenon, Inc and Labcorp Genetics (formerly Invitae), Labcorp); PubMed 11914245 (cited by Labcorp Genetics (formerly Invitae), Labcorp); PubMed 12175777 (cited by Labcorp Genetics (formerly Invitae), Labcorp); PubMed 17040996 (cited by Labcorp Genetics (formerly Invitae), Labcorp); PubMed 18023222 (cited by Labcorp Genetics (formerly Invitae), Labcorp); PubMed 23305247 (cited by Labcorp Genetics (formerly Invitae), Labcorp).